The following is an entry in ClinVar:

ClinVar aggregate classification (germline): Uncertain significance (1 of 4 stars; one submission).

Conditions:
Developmental and epileptic encephalopathy, 30 (DEE30). Also called: Epileptic encephalopathy, early infantile, 30. Identifiers: MedGen C4225360, MONDO:0014595, OMIM 616341.

Allele frequency attached by ClinVar (database versions not stated): ExAC 0.00004.

Submission:

Labcorp Genetics (formerly Invitae), Labcorp
Classification: Uncertain significance for Developmental and epileptic encephalopathy, 30. Last evaluated: 2025-12-09. Review status: criteria provided, single submitter. Criteria: Invitae Variant Classification Sherloc (09022015). Collection method: clinical testing. Allele origin: germline.
Comment: This sequence change replaces proline, which is neutral and non-polar, with histidine, which is basic and polar, at codon 433 of the SIK1 protein (p.Pro433His). The frequency data for this variant in the population databases is considered unreliable, as metrics indicate poor data quality at this position in the gnomAD database. This variant has not been reported in the literature in individuals affected with SIK1-related conditions. ClinVar contains an entry for this variant (Variation ID: 2854487). Invitae Evidence Modeling of protein sequence and biophysical properties (such as structural, functional, and spatial information, amino acid conservation, physicochemical variation, residue mobility, and thermodynamic stability) indicates that this missense variant is not expected to disrupt SIK1 protein function with a negative predictive value of 95%. In summary, the available evidence is currently insufficient to determine the role of this variant in disease. Therefore, it has been classified as a Variant of Uncertain Significance.

NM_173354.5(SIK1):c.1298C>A (p.Pro433His)

Gene: SIK1 (salt inducible kinase 1; minus strand). Cytogenetic location: 21q22.3.
Variant type: single nucleotide variant.
Coding change: c.1298C>A on transcript NM_173354.5 (MANE Select); coding-DNA position 1298, C replaced by A.
Protein change: p.Pro433His; replaces proline 433 with histidine.
Molecular consequence: missense variant.
Genome position (GRCh38, 1-based): chr21:43,419,185, G>T on the plus strand (C>A on the coding strand, the complement: SIK1 is on the minus strand). VCF-style: chr21-43419185-G-T. GRCh37 (hg19) VCF-style: chr21-44839065-G-T.
Other names: short protein forms P433H.
Identifiers: ClinVar variation 2854487 (VCV002854487.3), dbSNP rs755237543, ClinGen allele CA321325917.
Genomic context (GRCh38, chr21:43,419,185, plus strand): 5'-CCCGGCCCCTGCCTGGCCTCCTCACTGATGGCTGTGTCCAGCAGGCTGCTTGGGGACACG[G>T]GCCGGGGCCGGAACACTCCGCTGCAGCTGGCATCCACCGGGAAGAACAAGGGCTGCGTTG-3'
Protein context (NP_775490.2, residues 423-443): ASCSGVFRPR[Pro433His]VSPSSLLDTA